The following is an entry in ClinVar:

ClinVar aggregate classification (germline): Uncertain significance (1 of 4 stars; one submission).

gnomAD v4.1: 1 of 1,613,908 alleles (0.000062%); highest among the groups gnomAD compares: African/African-American, 0.0013%; no homozygotes.

Submission:

GeneDx
Classification: Uncertain significance. Last evaluated: 2025-04-07. Review status: criteria provided, single submitter. Criteria: GeneDx Variant Classification Process June 2021. Collection method: clinical testing. Allele origin: germline. Affected: yes.
Comment: Not observed at significant frequency in large population cohorts (gnomAD); In silico analysis indicates that this missense variant does not alter protein structure/function; Has not been previously published as pathogenic or benign to our knowledge

NM_033056.4(PCDH15):c.4901C>T (p.Thr1634Ile)

Gene: PCDH15 (protocadherin related 15; minus strand). Cytogenetic location: 10q21.1.
Variant type: single nucleotide variant.
Coding change: c.4901C>T on transcript NM_033056.4 (MANE Plus Clinical); coding-DNA position 4901, C replaced by T.
Protein change: p.Thr1634Ile; replaces threonine 1634 with isoleucine.
Molecular consequence: missense variant. On other transcripts: intron variant (8).
Genome position (GRCh38, 1-based): chr10:53,822,825, G>A on the plus strand (C>T on the coding strand, the complement: PCDH15 is on the minus strand). VCF-style: chr10-53822825-G-A. GRCh37 (hg19) VCF-style: chr10-55582585-G-A.
Other names: c.4922C>T, p.Thr1641Ile (NM_001142763.2); c.4907C>T, p.Thr1636Ile (NM_001142764.2); c.4694C>T, p.Thr1565Ile (NM_001142765.2); c.4892C>T, p.Thr1631Ile (NM_001142766.2); c.4781C>T, p.Thr1594Ile (NM_001142767.2); c.4841C>T, p.Thr1614Ile (NM_001142768.2); c.4832C>T, p.Thr1611Ile (NM_001142773.2); c.4835C>T, p.Thr1612Ile (NM_001354404.2); and 6 more; short protein forms T1565I, T1594I, T1611I, T1612I, T1614I, T1631I, T1634I, T1636I.
Identifiers: ClinVar variation 4281754 (VCV004281754.1).